The following is an entry in ClinVar:

NM_001355436.2(SPTB):c.2617G>T (p.Glu873Ter)

Gene: SPTB (spectrin beta, erythrocytic; minus strand). Cytogenetic location: 14q23.3.
Variant type: single nucleotide variant.
Coding change: c.2617G>T on transcript NM_001355436.2 (MANE Select); coding-DNA position 2617, G replaced by T.
Protein change: p.Glu873Ter; replaces glutamic acid 873 with a stop codon.
Molecular consequence: nonsense.
Genome position (GRCh38, 1-based): chr14:64,793,046, C>A on the plus strand (G>T on the coding strand, the complement: SPTB is on the minus strand). VCF-style: chr14-64793046-C-A. GRCh37 (hg19) VCF-style: chr14-65259764-C-A.
Other names: c.2617G>T, p.Glu873Ter (NM_001024858.4, NM_001355437.2); short protein forms E873*.
Identifiers: ClinVar variation 3382032 (VCV003382032.3).

ClinVar aggregate classification (germline): Pathogenic/Likely pathogenic. Review status: criteria provided, multiple submitters, no conflicts (2 of 4 stars). 2 submissions from 2 submitters: Pathogenic (1); Likely pathogenic (1). Last evaluated 2025-06-12.

Conditions:
Hereditary spherocytosis type 2. Also called: SPHEROCYTOSIS, TYPE 2, AUTOSOMAL DOMINANT. Identifiers: Orphanet 822, MedGen C2674219, MONDO:0000913, OMIM 616649.

Submissions (2):

Labcorp Genetics (formerly Invitae), Labcorp
Classification: Pathogenic. Last evaluated: 2025-06-12. Review status: criteria provided, single submitter. Criteria: Invitae Variant Classification Sherloc (09022015). Collection method: clinical testing. Allele origin: germline.
Comment: This sequence change creates a premature translational stop signal (p.Glu873*) in the SPTB gene. It is expected to result in an absent or disrupted protein product. Loss-of-function variants in SPTB are known to be pathogenic (PMID: 1391962, 1498324, 8844207, 26830532, 27292444). This variant is not present in population databases (gnomAD no frequency). This variant has not been reported in the literature in individuals affected with SPTB-related conditions. ClinVar contains an entry for this variant (Variation ID: 3382032). For these reasons, this variant has been classified as Pathogenic.

Juno Genomics, Hangzhou Juno Genomics, Inc
Classification: Likely pathogenic for Hereditary spherocytosis type 2. Review status: criteria provided, single submitter. Criteria: ACMG Guidelines, 2015. Collection method: clinical testing. Allele origin: germline. Affected: yes.
Comment: Absent from controls (or at extremely low frequency if recessive) in Genome Aggregation Database, Exome Sequencing Project, 1000 Genomes Project, or Exome Aggregation Consortium.;Null variant in a gene where loss of function (LOF) is a known mechanism of disease.

Literature cited by the submitters: PubMed 1391962 (cited by Labcorp Genetics (formerly Invitae), Labcorp); PubMed 1498324 (cited by Labcorp Genetics (formerly Invitae), Labcorp); PubMed 8844207 (cited by Labcorp Genetics (formerly Invitae), Labcorp); PubMed 26830532 (cited by Labcorp Genetics (formerly Invitae), Labcorp); PubMed 27292444 (cited by Labcorp Genetics (formerly Invitae), Labcorp).